The following is an entry in ClinVar:

NM_007059.4(KPTN):c.1021C>T (p.Arg341Trp)

Gene: KPTN (kaptin, actin binding protein; minus strand). Cytogenetic location: 19q13.32.
Variant type: single nucleotide variant.
Coding change: c.1021C>T on transcript NM_007059.4 (MANE Select); coding-DNA position 1021, C replaced by T.
Protein change: p.Arg341Trp; replaces arginine 341 with tryptophan.
Molecular consequence: missense variant. On other transcripts: non-coding transcript variant (1).
Genome position (GRCh38, 1-based): chr19:47,476,693, G>A on the plus strand (C>T on the coding strand, the complement: KPTN is on the minus strand). VCF-style: chr19-47476693-G-A. GRCh37 (hg19) VCF-style: chr19-47979950-G-A.
Other names: c.853C>T, p.Arg285Trp (NM_001291296.2); short protein forms R341W, R285W.
Identifiers: ClinVar variation 635753 (VCV000635753.7), dbSNP rs755446490, ClinGen allele CA9540236.
Genomic context (GRCh38, chr19:47,476,693, plus strand): 5'-TCCGCTGCCACAGCAGATGGAACCCGTGCTGGGCCTCAGGAAGCCCCGACTCTGGGCCCC[G>A]GTACTTATAACACAGCAGTTCCTGCGGGGGTGAAGAATCAGGTCACACAGGTTGATGGGG-3'
Protein context (NP_008990.2, residues 331-351): YGQELLCYKY[Arg341Trp]GPESGLPEAQ

ClinVar aggregate classification (germline): Uncertain significance. Review status: criteria provided, single submitter (1 of 4 stars). 2 submissions from 2 submitters: Uncertain significance (1). 1 of the submissions does not count toward it. Last evaluated 2022-08-09.

Conditions:
Macrocephaly-developmental delay syndrome (MRT41). Also called: INTELLECTUAL DEVELOPMENTAL DISORDER, AUTOSOMAL RECESSIVE 41. Identifiers: Orphanet 397612, MedGen C3810225, MONDO:0014289, OMIM 615637.

Allele frequency attached by ClinVar (database versions not stated): gnomAD 0.00003; gnomAD exomes 0.00003 and 0.00004; TOPMed 0.00004; ExAC 0.00007.
gnomAD v4.1: 45 of 1,612,030 alleles (0.0028%); highest among the groups gnomAD compares: Middle Eastern, 0.016%; no homozygotes.

Submissions (2):

Labcorp Genetics (formerly Invitae), Labcorp
Classification: Uncertain significance for Macrocephaly-developmental delay syndrome. Last evaluated: 2022-08-09. Review status: criteria provided, single submitter. Criteria: Invitae Variant Classification Sherloc (09022015). Collection method: clinical testing. Allele origin: germline.
Comment: This missense change has been observed in individual(s) with neurological Disorder (PMID: 31345272). ClinVar contains an entry for this variant (Variation ID: 635753). Algorithms developed to predict the effect of missense changes on protein structure and function output the following: SIFT: "Tolerated"; PolyPhen-2: "Benign"; Align-GVGD: "Class C0". The tryptophan amino acid residue is found in multiple mammalian species, which suggests that this missense change does not adversely affect protein function. In summary, the available evidence is currently insufficient to determine the role of this variant in disease. Therefore, it has been classified as a Variant of Uncertain Significance. This sequence change replaces arginine, which is basic and polar, with tryptophan, which is neutral and slightly polar, at codon 341 of the KPTN protein (p.Arg341Trp). This variant is present in population databases (rs755446490, gnomAD 0.01%).

Oxford Medical Genetics Laboratories, Oxford University Hospitals NHS Foundation Trust
Classification: Uncertain significance for Macrocephaly-developmental delay syndrome. Last evaluated: 2019-05-03. Review status: no assertion criteria provided. Collection method: clinical testing. Allele origin: inherited. Affected: yes. Not counted in ClinVar's aggregate classification.

Literature cited by the submitters: PubMed 31345272 (cited by Labcorp Genetics (formerly Invitae), Labcorp).